The following is an entry in ClinVar:

NM_000434.4(NEU1):c.96C>T (p.Ala32=)

Gene: NEU1 (neuraminidase 1; minus strand). Cytogenetic location: 6p21.33.
Variant type: single nucleotide variant.
Coding change: c.96C>T on transcript NM_000434.4 (MANE Select); coding-DNA position 96, C replaced by T.
Protein change: p.Ala32=; no amino-acid change (alanine 32 retained).
Molecular consequence: synonymous variant.
Genome position (GRCh38, 1-based): chr6:31,862,681, G>A on the plus strand (C>T on the coding strand, the complement: NEU1 is on the minus strand). VCF-style: chr6-31862681-G-A. GRCh37 (hg19) VCF-style: chr6-31830458-G-A.
Other names: c.96C>T (NM_000434.3).
Identifiers: ClinVar variation 1458902 (VCV001458902.10), dbSNP rs115380335, ClinGen allele CA3725098.

ClinVar aggregate classification (germline): Likely benign. Review status: criteria provided, multiple submitters, no conflicts (2 of 4 stars). 3 submissions from 3 submitters: Likely benign (3). Last evaluated 2026-05-27.

Conditions:
NEU1-related disorder. Also called: NEU1-related condition.

Allele frequency attached by ClinVar (database versions not stated): gnomAD exomes 0.00006 and 0.00018; ExAC 0.00007; gnomAD 0.00014; 1000 Genomes Project 0.00020; 1000 Genomes Project 30x 0.00031.
gnomAD v4.1: 278 of 1,612,998 alleles (0.017%); highest among the groups gnomAD compares: Non-Finnish European, 0.023%; no homozygotes.

Submissions (3):

PreventionGenetics, part of Exact Sciences
Classification: Likely benign for NEU1-related condition. Last evaluated: 2026-05-27. Review status: criteria provided, single submitter. Criteria: ACMG Guidelines, 2015. Collection method: clinical testing. Allele origin: germline.
Comment: This variant is classified as likely benign based on ACMG/AMP sequence variant interpretation guidelines (Richards et al. 2015 PMID: 25741868, with internal and published modifications).

Labcorp Genetics (formerly Invitae), Labcorp
Classification: Likely benign. Last evaluated: 2026-01-04. Review status: criteria provided, single submitter. Criteria: Invitae Variant Classification Sherloc (09022015). Collection method: clinical testing. Allele origin: germline.

ARUP Laboratories, Molecular Genetics and Genomics, ARUP Laboratories
Classification: Likely benign. Last evaluated: 2024-04-03. Review status: criteria provided, single submitter. Criteria: ARUP Molecular Germline Variant Investigation Process 2024. Collection method: clinical testing. Allele origin: germline.